The following is an entry in ClinVar:

NM_001378454.1(ALMS1):c.6784A>G (p.Ile2262Val)

Gene: ALMS1 (ALMS1 centrosome and basal body associated protein; plus strand). Cytogenetic location: 2p13.1.
Variant type: single nucleotide variant.
Coding change: c.6784A>G on transcript NM_001378454.1 (MANE Select); coding-DNA position 6784, A replaced by G.
Protein change: p.Ile2262Val; replaces isoleucine 2262 with valine.
Molecular consequence: missense variant.
Genome position (GRCh38, 1-based): chr2:73,453,311, A>G. VCF-style: chr2-73453311-A-G. GRCh37 (hg19) VCF-style: chr2-73680438-A-G.
Other names: c.6787A>G, p.Ile2263Val (NM_015120.4); short protein forms I2262V, I2263V.
Identifiers: ClinVar variation 2634435 (VCV002634435.1), dbSNP rs2466110206, ClinGen allele CA347289361.

ClinVar aggregate classification (germline): Uncertain significance (1 of 4 stars; one submission).

Conditions:
ALMS1-related disorder. Also called: ALMS1-related condition.

Submission:

PreventionGenetics, part of Exact Sciences
Classification: Uncertain significance for ALMS1-related condition. Last evaluated: 2023-08-08. Review status: criteria provided, single submitter. Criteria: ACMG Guidelines, 2015. Collection method: clinical testing. Allele origin: germline.
Comment: The ALMS1 c.6787A>G variant is predicted to result in the amino acid substitution p.Thr2263Ala. To our knowledge, this variant has not been reported in the literature. This variant is reported in 0.0087% of alleles in individuals of Latino descent in gnomAD. At this time, the clinical significance of this variant is uncertain due to the absence of conclusive functional and genetic evidence.